The following is an entry in ClinVar:

ClinVar aggregate classification (germline): Pathogenic (1 of 4 stars; one submission).

Conditions:
Inborn genetic diseases. Identifiers: MedGen C0950123, MeSH D030342.

Submission:

Ambry Genetics
Classification: Pathogenic for Inborn genetic diseases. Last evaluated: 2023-12-18. Review status: criteria provided, single submitter. Criteria: Ambry Variant Classification Scheme 2023. Collection method: clinical testing. Allele origin: germline.
Comment: The c.696_697delGT (p.F233Pfs*43) alteration, located in exon 8 (coding exon 8) of the BRSK2 gene, consists of a deletion of 2 nucleotides from position 696 to 697, causing a translational frameshift with a predicted alternate stop codon after 43 amino acids. This alteration is expected to result in loss of function by premature protein truncation or nonsense-mediated mRNA decay. This variant was not reported in population-based cohorts in the Genome Aggregation Database (gnomAD). Based on the available evidence, this alteration is classified as pathogenic.

NM_001256627.2(BRSK2):c.696_697del (p.Phe233fs)

Gene: BRSK2 (BR serine/threonine kinase 2; plus strand). Cytogenetic location: 11p15.5.
Variant type: Microsatellite.
Coding change: c.696_697del on transcript NM_001256627.2 (MANE Select); coding-DNA positions 696 to 697, 2 bases deleted (GT; older notation c.696_697delGT).
Protein change: p.Phe233fs; shifts the reading frame from phenylalanine 233.
Molecular consequence: frameshift variant. On other transcripts: non-coding transcript variant (1).
Genome position (GRCh38, 1-based): chr11:1,443,551-1,443,552, GT deleted; deleting any 2 consecutive bases within chr11:1,443,549-1,443,552 gives the same sequence; the c. name uses the placement nearest the transcript's 3' end. VCF-style (leftmost placement, unchanged base first): chr11-1443548-CGT-C. GRCh37 (hg19) VCF-style: chr11-1464778-CGT-C.
Other names: c.696_697del, p.Phe233fs (NM_001256629.2, NM_003957.4); c.834_835del, p.Phe279fs (NM_001256630.1); c.516_517del, p.Phe173fs (NM_001282218.2); short protein forms F173fs, F279fs, F233fs.
Identifiers: ClinVar variation 3135165 (VCV003135165.1), dbSNP rs2539494403, ClinGen allele CA2825001869.